The following is an entry in ClinVar:

ClinVar aggregate classification (germline): Likely pathogenic (1 of 4 stars; one submission).

Conditions:
Dyskeratosis congenita, autosomal recessive 5 (DKCB5). Identifiers: MedGen C3554656, MONDO:0014076, OMIM 615190.
Pulmonary fibrosis and/or bone marrow failure, Telomere-related, 3. Also called: PULMONARY FIBROSIS AND/OR BONE MARROW FAILURE SYNDROME, TELOMERE-RELATED, 3. Identifiers: Orphanet 2032, MedGen C4225346, MONDO:0014613, OMIM 616373.

Submission:

Labcorp Genetics (formerly Invitae), Labcorp
Classification: Likely pathogenic for Dyskeratosis congenita, autosomal recessive 5; Pulmonary fibrosis and/or bone marrow failure, Telomere-related, 3. Last evaluated: 2021-07-21. Review status: criteria provided, single submitter. Criteria: Invitae Variant Classification Sherloc (09022015). Collection method: clinical testing. Allele origin: germline.
Comment: Algorithms developed to predict the effect of sequence changes on RNA splicing suggest that this variant may disrupt the consensus splice site. In summary, the currently available evidence indicates that the variant is pathogenic, but additional data are needed to prove that conclusively. Therefore, this variant has been classified as Likely Pathogenic. This variant has not been reported in the literature in individuals affected with RTEL1-related conditions. This variant is not present in population databases (ExAC no frequency). This sequence change affects a donor splice site in intron 32 of the RTEL1 gene. It is expected to disrupt RNA splicing. Variants that disrupt the donor or acceptor splice site typically lead to a loss of protein function (PMID: 16199547), and loss-of-function variants in RTEL1 are known to be pathogenic (PMID: 23453664, 23959892, 25607374).

Literature cited by the submitters: PubMed 16199547; PubMed 23453664; PubMed 23959892; PubMed 25607374.

NM_001283009.2(RTEL1):c.3343+1G>T

Genes: RTEL1 (regulator of telomere elongation helicase 1; plus strand), RTEL1-TNFRSF6B (RTEL1-TNFRSF6B readthrough (NMD candidate); plus strand). Cytogenetic location: 20q13.33.
Variant type: single nucleotide variant.
Coding change: c.3343+1G>T on transcript NM_001283009.2 (MANE Select); the canonical splice donor site of the intron after coding-DNA position 3343, G replaced by T.
Molecular consequence: splice donor variant.
Genome position (GRCh38, 1-based): chr20:63,694,975, G>T. VCF-style: chr20-63694975-G-T. GRCh37 (hg19) VCF-style: chr20-62326328-G-T.
Other names: c.2674+1G>T (NM_001283010.1); c.3415+1G>T (NM_032957.5); c.3343+1G>T (NM_016434.4).
Identifiers: ClinVar variation 1480961 (VCV001480961.6), dbSNP rs2145476311, ClinGen allele CA409685224.